The following is an entry in ClinVar:

NM_207361.6(FREM2):c.2602C>G (p.Leu868Val)

Gene: FREM2 (FRAS1 related extracellular matrix 2; plus strand). Cytogenetic location: 13q13.3.
Variant type: single nucleotide variant.
Coding change: c.2602C>G on transcript NM_207361.6 (MANE Select); coding-DNA position 2602, C replaced by G.
Protein change: p.Leu868Val; replaces leucine 868 with valine.
Molecular consequence: missense variant.
Genome position (GRCh38, 1-based): chr13:38,689,946, C>G. VCF-style: chr13-38689946-C-G. GRCh37 (hg19) VCF-style: chr13-39264083-C-G.
Other names: p.Leu868Val; short protein forms L868V.
Identifiers: ClinVar variation 311959 (VCV000311959.16), dbSNP rs7329939, ClinGen allele CA6954640.

ClinVar aggregate classification (germline): Benign. Review status: criteria provided, multiple submitters, no conflicts (2 of 4 stars). 5 submissions from 5 submitters: Benign (5). Last evaluated 2026-02-04.

Conditions:
Fraser syndrome 2 (FRASRS2). Identifiers: MedGen C4540036, MONDO:0054738, OMIM 617666.

Allele frequency attached by ClinVar (database versions not stated): gnomAD exomes 0.02021; ExAC 0.02361; gnomAD 0.05797 and 0.06144; 1000 Genomes Project 0.06290; ESP Exome Variant Server 0.06405; TOPMed 0.06474; 1000 Genomes Project 30x 0.06699.
gnomAD v4.1: 26,933 of 1,614,096 alleles (1.7%); highest among the groups gnomAD compares: African/African-American, 18%; 1,427 homozygotes.

Submissions (5):

Labcorp Genetics (formerly Invitae), Labcorp
Classification: Benign. Last evaluated: 2026-02-04. Review status: criteria provided, single submitter. Criteria: Invitae Variant Classification Sherloc (09022015). Collection method: clinical testing. Allele origin: germline.

Mayo Clinic Laboratories, Mayo Clinic
Classification: Benign. Last evaluated: 2023-04-03. Review status: criteria provided, single submitter. Criteria: ACMG Guidelines, 2015. Collection method: clinical testing. Allele origin: germline. Observed: 5 variant alleles.

GeneDx
Classification: Benign. Last evaluated: 2021-06-09. Review status: criteria provided, single submitter. Criteria: GeneDx Variant Classification Process June 2021. Collection method: clinical testing. Allele origin: germline. Affected: yes.

Illumina Laboratory Services, Illumina
Classification: Benign for Fraser syndrome 2. Last evaluated: 2018-01-13. Review status: criteria provided, single submitter. Criteria: ICSL Variant Classification Criteria 13 December 2019. Collection method: clinical testing. Allele origin: germline.
Comment: This variant was observed in the ICSL laboratory as part of a predisposition screen in an ostensibly healthy population. It had not been previously curated by ICSL or reported in the Human Gene Mutation Database (HGMD: prior to June 1st, 2018), and was therefore a candidate for classification through an automated scoring system. Utilizing variant allele frequency, disease prevalence and penetrance estimates, and inheritance mode, an automated score was calculated to assess if this variant is too frequent to cause the disease. Based on the score and internal cut-off values, a variant classified as benign is not then subjected to further curation. The score for this variant resulted in a classification of benign for this disease.

Breakthrough Genomics
Classification: Benign. Review status: criteria provided, single submitter. Criteria: ACMG Guidelines, 2015. Collection method: not provided. Allele origin: germline. Inheritance: Autosomal recessive inheritance. Affected: yes.